The following is an entry in ClinVar:

NM_000492.4(CFTR):c.3980T>C (p.Val1327Ala)

Gene: CFTR (CF transmembrane conductance regulator; plus strand). Cytogenetic location: 7q31.2.
Variant type: single nucleotide variant.
Coding change: c.3980T>C on transcript NM_000492.4 (MANE Select); coding-DNA position 3980, T replaced by C.
Protein change: p.Val1327Ala; replaces valine 1327 with alanine.
Molecular consequence: missense variant.
Genome position (GRCh38, 1-based): chr7:117,664,704, T>C. VCF-style: chr7-117664704-T-C. GRCh37 (hg19) VCF-style: chr7-117304758-T-C.
Other names: short protein forms V1327A.
Identifiers: ClinVar variation 1736703 (VCV001736703.6), dbSNP rs900007100, ClinGen allele CA368981857.
Genomic context (GRCh38, chr7:117,664,704, plus strand): 5'-TGTTTTTAACTCTGTGGTATCTGAACTATCTTCTCTAACTGCAGGTTGGGCTCAGATCTG[T>C]GATAGAACAGTTTCCTGGGAAGCTTGACTTTGTCCTTGTGGATGGGGGCTGTGTCCTAAG-3'
Protein context (NP_000483.3, residues 1317-1337): KVADEVGLRS[Val1327Ala]IEQFPGKLDF

ClinVar aggregate classification (germline): Uncertain significance. Review status: criteria provided, multiple submitters, no conflicts (2 of 4 stars). 2 submissions from 2 submitters: Uncertain significance (2). Last evaluated 2025-09-01.

Conditions:
Cystic fibrosis (CF). Also called: MUCOVISCIDOSIS. Identifiers: Orphanet 586, MedGen C0010674, MONDO:0009061, OMIM 219700. Disease mechanism: loss of function.

Submissions (2):

Ambry Genetics
Classification: Uncertain significance for Cystic fibrosis. Last evaluated: 2025-09-01. Review status: criteria provided, single submitter. Criteria: Ambry Variant Classification Scheme 2023. Collection method: clinical testing. Allele origin: germline.

Labcorp Genetics (formerly Invitae), Labcorp
Classification: Uncertain significance for Cystic fibrosis. Last evaluated: 2023-06-16. Review status: criteria provided, single submitter. Criteria: Invitae Variant Classification Sherloc (09022015). Collection method: clinical testing. Allele origin: germline.
Comment: Advanced modeling of protein sequence and biophysical properties (such as structural, functional, and spatial information, amino acid conservation, physicochemical variation, residue mobility, and thermodynamic stability) performed at Invitae indicates that this missense variant is expected to disrupt CFTR protein function. ClinVar contains an entry for this variant (Variation ID: 1736703). This variant has not been reported in the literature in individuals affected with CFTR-related conditions. This variant is not present in population databases (gnomAD no frequency). This sequence change replaces valine, which is neutral and non-polar, with alanine, which is neutral and non-polar, at codon 1327 of the CFTR protein (p.Val1327Ala). In summary, the available evidence is currently insufficient to determine the role of this variant in disease. Therefore, it has been classified as a Variant of Uncertain Significance.